The following is an entry in ClinVar:

NM_001283009.2(RTEL1):c.901G>A (p.Ala301Thr)

Genes: RTEL1 (regulator of telomere elongation helicase 1; plus strand), RTEL1-TNFRSF6B (RTEL1-TNFRSF6B readthrough (NMD candidate); plus strand). Cytogenetic location: 20q13.33.
Variant type: single nucleotide variant.
Coding change: c.901G>A on transcript NM_001283009.2 (MANE Select); coding-DNA position 901, G replaced by A.
Protein change: p.Ala301Thr; replaces alanine 301 with threonine.
Molecular consequence: missense variant. On other transcripts: non-coding transcript variant (1).
Genome position (GRCh38, 1-based): chr20:63,674,075, G>A. VCF-style: chr20-63674075-G-A. GRCh37 (hg19) VCF-style: chr20-62305428-G-A.
Other names: c.232G>A, p.Ala78Thr (NM_001283010.1); c.901G>A, p.Ala301Thr (NM_016434.4); c.973G>A, p.Ala325Thr (NM_032957.5); short protein forms A301T, A325T, A78T.
Identifiers: ClinVar variation 1163654 (VCV001163654.11), dbSNP rs201365106, ClinGen allele CA9964479.

ClinVar aggregate classification (germline): Uncertain significance. Review status: criteria provided, multiple submitters, no conflicts (2 of 4 stars). 3 submissions from 3 submitters: Uncertain significance (3). Last evaluated 2025-09-02.

Conditions:
Pulmonary fibrosis and/or bone marrow failure, Telomere-related, 3. Also called: PULMONARY FIBROSIS AND/OR BONE MARROW FAILURE SYNDROME, TELOMERE-RELATED, 3. Identifiers: Orphanet 2032, MedGen C4225346, MONDO:0014613, OMIM 616373.
Dyskeratosis congenita, autosomal recessive 5 (DKCB5). Identifiers: MedGen C3554656, MONDO:0014076, OMIM 615190.

Allele frequency attached by ClinVar (database versions not stated): gnomAD exomes 0.00001 and 0.00002; gnomAD 0.00003; ExAC 0.00002.

Submissions (3):

Labcorp Genetics (formerly Invitae), Labcorp
Classification: Uncertain significance for Dyskeratosis congenita, autosomal recessive 5; Pulmonary fibrosis and/or bone marrow failure, Telomere-related, 3. Last evaluated: 2025-09-02. Review status: criteria provided, single submitter. Criteria: Invitae Variant Classification Sherloc (09022015). Collection method: clinical testing. Allele origin: germline.
Comment: This sequence change replaces alanine, which is neutral and non-polar, with threonine, which is neutral and polar, at codon 301 of the RTEL1 protein (p.Ala301Thr). This variant is present in population databases (rs201365106, gnomAD 0.005%). This variant has not been reported in the literature in individuals affected with RTEL1-related conditions. ClinVar contains an entry for this variant (Variation ID: 1163654). An algorithm developed to predict the effect of missense changes on protein structure and function outputs the following: PolyPhen-2: "Benign". The threonine amino acid residue is found in multiple mammalian species, which suggests that this missense change does not adversely affect protein function. In summary, the available evidence is currently insufficient to determine the role of this variant in disease. Therefore, it has been classified as a Variant of Uncertain Significance.

Dasa
Classification: Uncertain significance. Last evaluated: 2025-01-11. Review status: criteria provided, single submitter. Criteria: DASA Assertion Criteria. Collection method: clinical testing. Allele origin: germline.
Comment: NM_001283009.2(RTEL1):c.901G>A (p.Ala301Thr) is a missense variant that results in the substitution of alanine with threonine. This variant is rare in population databases. Computational prediction algorithms are consistent with a benign effect. The currently available literature and clinical evidence are not sufficient to establish a definitive association between this variant and the reported condition. Therefore, this variant is classified as a variant of uncertain significance.

Mayo Clinic Laboratories, Mayo Clinic
Classification: Uncertain significance. Last evaluated: 2019-05-12. Review status: criteria provided, single submitter. Criteria: ACMG Guidelines, 2015. Collection method: clinical testing. Allele origin: germline. Observed: 1 variant allele.